The following is an entry in ClinVar:

ClinVar aggregate classification (germline): Uncertain significance. Review status: criteria provided, multiple submitters, no conflicts (2 of 4 stars). 2 submissions from 2 submitters: Uncertain significance (2). Last evaluated 2026-02-18.

Conditions:
Familial sleep-related hypermotor epilepsy. Also called: Autosomal Dominant Sleep-Related Hypermotor (Hyperkinetic) Epilepsy. Identifiers: Orphanet 98784, MedGen C3696898, MONDO:0000030.

Submissions (2):

GeneDx
Classification: Uncertain significance. Last evaluated: 2026-02-18. Review status: criteria provided, single submitter. Criteria: GeneDx Variant Classification Process June 2021. Collection method: clinical testing. Allele origin: germline.
Comment: Not observed at significant frequency in large population cohorts (gnomAD); In silico analysis supports that this missense variant has a deleterious effect on protein structure/function; Has not been previously published as pathogenic or benign to our knowledge

Labcorp Genetics (formerly Invitae), Labcorp
Classification: Uncertain significance. Last evaluated: 2025-08-03. Review status: criteria provided, single submitter. Criteria: Invitae Variant Classification Sherloc (09022015). Collection method: clinical testing. Allele origin: germline.
Comment: This sequence change replaces alanine, which is neutral and non-polar, with valine, which is neutral and non-polar, at codon 48 of the CHRNA2 protein (p.Ala48Val). This variant is not present in population databases (gnomAD no frequency). This variant has not been reported in the literature in individuals affected with CHRNA2-related conditions. Invitae Evidence Modeling of protein sequence and biophysical properties (such as structural, functional, and spatial information, amino acid conservation, physicochemical variation, residue mobility, and thermodynamic stability) indicates that this missense variant is not expected to disrupt CHRNA2 protein function with a negative predictive value of 95%. In summary, the available evidence is currently insufficient to determine the role of this variant in disease. Therefore, it has been classified as a Variant of Uncertain Significance.

NM_000742.4(CHRNA2):c.143C>T (p.Ala48Val)

Gene: CHRNA2 (cholinergic receptor nicotinic alpha 2 subunit; minus strand). Cytogenetic location: 8p21.2.
Variant type: single nucleotide variant.
Coding change: c.143C>T on transcript NM_000742.4 (MANE Select); coding-DNA position 143, C replaced by T.
Protein change: p.Ala48Val; replaces alanine 48 with valine.
Molecular consequence: missense variant. On other transcripts: 5 prime UTR variant (4).
Genome position (GRCh38, 1-based): chr8:27,469,912, G>A on the plus strand (C>T on the coding strand, the complement: CHRNA2 is on the minus strand). VCF-style: chr8-27469912-G-A. GRCh37 (hg19) VCF-style: chr8-27327429-G-A.
Other names: c.143C>T, p.Ala48Val (NM_001282455.2); c.-285C>T (NM_001347705.2); c.-330C>T (NM_001347706.2); c.-271C>T (NM_001347707.2); c.-319C>T (NM_001347708.2); c.143C>T (NM_000742.3); short protein forms A48V.
Identifiers: ClinVar variation 4802727 (VCV004802727.2).
Genomic context (GRCh38, chr8:27,469,912, plus strand): 5'-CGGAAGAGGTGTTTGAAGAGCCGGTCCTCAGTCTCGGTATGCGAGCCTCCCTGCGGCAAT[G>A]CCGTGGGACTGGGAGAGGAGAGTGGGTCTCCAGGAGCCCTGGGAGGTGGGCGCTTAGCTT-3'
Protein context (NP_000733.2, residues 38-58): GDPLSSPSPT[Ala48Val]LPQGGSHTET